The following is an entry in ClinVar:

NM_003322.6(TULP1):c.164C>A (p.Thr55Lys)

Gene: TULP1 (TUB like protein 1; minus strand). Cytogenetic location: 6p21.31.
Variant type: single nucleotide variant.
Coding change: c.164C>A on transcript NM_003322.6 (MANE Select); coding-DNA position 164, C replaced by A.
Protein change: p.Thr55Lys; replaces threonine 55 with lysine.
Molecular consequence: missense variant.
Genome position (GRCh38, 1-based): chr6:35,512,206, G>T on the plus strand (C>A on the coding strand, the complement: TULP1 is on the minus strand). VCF-style: chr6-35512206-G-T. GRCh37 (hg19) VCF-style: chr6-35479983-G-T.
Other names: c.164C>A, p.Thr55Lys (NM_001289395.2); short protein forms T55K.
Identifiers: ClinVar variation 1971314 (VCV001971314.5), dbSNP rs1163569465, ClinGen allele CA363784942.

ClinVar aggregate classification (germline): Uncertain significance (1 of 4 stars; one submission).

gnomAD v4.1: 2 of 1,356,242 alleles (0.00015%); highest among the groups gnomAD compares: East Asian, 0.0027%; no homozygotes.

Submission:

Labcorp Genetics (formerly Invitae), Labcorp
Classification: Uncertain significance. Last evaluated: 2022-04-04. Review status: criteria provided, single submitter. Criteria: Invitae Variant Classification Sherloc (09022015). Collection method: clinical testing. Allele origin: germline.
Comment: This variant is not present in population databases (gnomAD no frequency). This variant has not been reported in the literature in individuals affected with TULP1-related conditions. Algorithms developed to predict the effect of missense changes on protein structure and function output the following: SIFT: "Not Available"; PolyPhen-2: "Benign"; Align-GVGD: "Not Available". The lysine amino acid residue is found in multiple mammalian species, which suggests that this missense change does not adversely affect protein function. Algorithms developed to predict the effect of sequence changes on RNA splicing suggest that this variant may create or strengthen a splice site. In summary, the available evidence is currently insufficient to determine the role of this variant in disease. Therefore, it has been classified as a Variant of Uncertain Significance. This sequence change replaces threonine, which is neutral and polar, with lysine, which is basic and polar, at codon 55 of the TULP1 protein (p.Thr55Lys).